The following is an entry in ClinVar:

NM_002474.3(MYH11):c.1371C>G (p.Ile457Met)

Gene: MYH11 (myosin heavy chain 11; minus strand). Cytogenetic location: 16p13.11.
Variant type: single nucleotide variant.
Coding change: c.1371C>G on transcript NM_002474.3 (MANE Select); coding-DNA position 1371, C replaced by G.
Protein change: p.Ile457Met; replaces isoleucine 457 with methionine.
Molecular consequence: missense variant.
Genome position (GRCh38, 1-based): chr16:15,759,606, G>C on the plus strand (C>G on the coding strand, the complement: MYH11 is on the minus strand). VCF-style: chr16-15759606-G-C. GRCh37 (hg19) VCF-style: chr16-15853463-G-C.
Other names: c.1392C>G, p.Ile464Met (NM_001040113.2, NM_001040114.2); c.1371C>G, p.Ile457Met (NM_022844.3); short protein forms I457M, I464M.
Identifiers: ClinVar variation 4695396 (VCV004695396.2).
Genomic context (GRCh38, chr16:15,759,606, plus strand): 5'-CATGGCTCTTAGGATCCCACCGAGCTGTACCTCAAAGATCTCAAATCCAGCTATATCCAG[G>C]ATCCCCAGGAAGGAAGCCCCTTGCCGATGGGTCTTGTCCAGGGCTTTGTTCACGCGGGTG-3'
Protein context (NP_002465.1, residues 447-467): THRQGASFLG[Ile457Met]LDIAGFEIFE

ClinVar aggregate classification (germline): Uncertain significance. Review status: criteria provided, multiple submitters, no conflicts (2 of 4 stars). 2 submissions from 2 submitters: Uncertain significance (2). Last evaluated 2025-12-16.

Conditions:
Aortic aneurysm, familial thoracic 4 (AAT4). Also called: AORTIC ANEURYSM/AORTIC DISSECTION AND PATENT DUCTUS ARTERIOSUS. Identifiers: MedGen C1851504, MONDO:0007568, OMIM 132900.

gnomAD v4.1: 1 of 1,614,148 alleles (0.000062%); highest among the groups gnomAD compares: Non-Finnish European, 0.000085%; no homozygotes.

Submissions (2):

Labcorp Genetics (formerly Invitae), Labcorp
Classification: Uncertain significance for Aortic aneurysm, familial thoracic 4. Last evaluated: 2025-12-16. Review status: criteria provided, single submitter. Criteria: Invitae Variant Classification Sherloc (09022015). Collection method: clinical testing. Allele origin: germline.
Comment: This sequence change replaces isoleucine, which is neutral and non-polar, with methionine, which is neutral and non-polar, at codon 464 of the MYH11 protein (p.Ile464Met). This variant is not present in population databases (gnomAD no frequency). This variant has not been reported in the literature in individuals affected with MYH11-related conditions. Invitae Evidence Modeling of protein sequence and biophysical properties (such as structural, functional, and spatial information, amino acid conservation, physicochemical variation, residue mobility, and thermodynamic stability) has been performed for this missense variant. However, the output from this modeling did not meet the statistical confidence thresholds required to predict the impact of this variant on MYH11 protein function. In summary, the available evidence is currently insufficient to determine the role of this variant in disease. Therefore, it has been classified as a Variant of Uncertain Significance.

Blueprint Genetics
Classification: Uncertain significance. Last evaluated: 2023-09-11. Review status: criteria provided, single submitter. Criteria: ACMG Guidelines, 2015. Collection method: clinical testing. Allele origin: germline.